The following is an entry in ClinVar:

NM_014365.3(HSPB8):c.431+4A>G

Gene: HSPB8 (heat shock protein family B (small) member 8; plus strand). Cytogenetic location: 12q24.23.
Variant type: single nucleotide variant.
Coding change: c.431+4A>G on transcript NM_014365.3 (MANE Select); 4 bases into the intron after coding-DNA position 431, A replaced by G.
Molecular consequence: intron variant.
Genome position (GRCh38, 1-based): chr12:119,187,092, A>G. VCF-style: chr12-119187092-A-G. GRCh37 (hg19) VCF-style: chr12-119624897-A-G.
Identifiers: ClinVar variation 4996406 (VCV004996406.1).

ClinVar aggregate classification (germline): Uncertain significance (1 of 4 stars; one submission).

Conditions:
HSPB8-related disorder. Also called: HSPB8-related condition.

gnomAD v4.1: 3 of 1,612,364 alleles (0.00019%); highest among the groups gnomAD compares: Non-Finnish European, 0.00025%; no homozygotes.

Submission:

PreventionGenetics, part of Exact Sciences
Classification: Uncertain significance for HSPB8-related condition. Last evaluated: 2026-05-18. Review status: criteria provided, single submitter. Criteria: ACMG Guidelines, 2015. Collection method: clinical testing. Allele origin: germline.
Comment: The HSPB8 c.431+4A>G variant is predicted to interfere with splicing. However, the use of computer prediction programs is not equivalent to functional evidence. To our knowledge, this variant has not been reported in the literature or in a large population database (gnomAD), indicating this variant is rare. At this time, the clinical significance of this variant is uncertain due to the absence of conclusive functional and genetic evidence.